The following is an entry in ClinVar:

ClinVar aggregate classification (germline): Uncertain significance (0 of 4 stars; one submission).

Conditions:
SEMA3D-related disorder. Also called: SEMA3D-related condition.

gnomAD v4.1: 1 of 1,466,724 alleles (0.000068%); highest among the groups gnomAD compares: Non-Finnish European, 0.000095%; no homozygotes.

Submission:

PreventionGenetics, part of Exact Sciences
Classification: Uncertain significance for SEMA3D-related condition. Last evaluated: 2024-08-27. Review status: no assertion criteria provided. Collection method: clinical testing. Allele origin: germline.
Comment: The SEMA3D c.1003G>A variant is predicted to result in the amino acid substitution p.Asp335Asn. To our knowledge, this variant has not been reported in the literature or in a large population database, indicating this variant is rare. At this time, the clinical significance of this variant is uncertain due to the absence of conclusive functional and genetic evidence.

NM_001384900.1(SEMA3D):c.1003G>A (p.Asp335Asn)

Gene: SEMA3D (semaphorin 3D; minus strand). Cytogenetic location: 7q21.11.
Variant type: single nucleotide variant.
Coding change: c.1003G>A on transcript NM_001384900.1 (MANE Select); coding-DNA position 1003, G replaced by A.
Protein change: p.Asp335Asn; replaces aspartic acid 335 with asparagine.
Molecular consequence: missense variant.
Genome position (GRCh38, 1-based): chr7:85,040,716, C>T on the plus strand (G>A on the coding strand, the complement: SEMA3D is on the minus strand). VCF-style: chr7-85040716-C-T. GRCh37 (hg19) VCF-style: chr7-84670032-C-T.
Other names: c.1003G>A, p.Asp335Asn (NM_001384901.1, NM_001384902.1, NM_001384903.1 and 1 more transcripts); short protein forms D335N.
Identifiers: ClinVar variation 3348327 (VCV003348327.1).